The following is an entry in ClinVar:

ClinVar aggregate classification (germline): Benign/Likely benign. Review status: criteria provided, multiple submitters, no conflicts (2 of 4 stars). 16 submissions from 16 submitters: Benign (7); Likely benign (4). 5 of the submissions do not count toward it. Last evaluated 2026-03-04.

Conditions:
POLE-related polyposis and colorectal cancer syndrome. Identifiers: MedGen CN324030, MONDO:0100287.
Facial dysmorphism-immunodeficiency-livedo-short stature syndrome. Also called: FILS syndrome; Facial dysmorphism, immunodeficiency, livedo, and short stature. Identifiers: Orphanet 352712, MedGen C3554576, MONDO:0014058, OMIM 615139.
Colorectal cancer, susceptibility to, 12 (CRCS12). Also called: COLORECTAL CANCER, SUSCEPTIBILITY TO, ON CHROMOSOME 12q24. Identifiers: Orphanet 220460, MedGen C3554460, MONDO:0014038, OMIM 615083.
Intrauterine growth retardation, metaphyseal dysplasia, adrenal hypoplasia congenita, genital anomalies, and immunodeficiency. Also called: IMAGEI SYNDROME. Identifiers: MedGen C5193036, MONDO:0032684, OMIM 618336.

Allele frequency attached by ClinVar (database versions not stated): gnomAD exomes 0.00040 and 0.00112; ExAC 0.00144; ESP Exome Variant Server 0.00415; gnomAD 0.00461 and 0.00498; TOPMed 0.00477; 1000 Genomes Project 0.00499; 1000 Genomes Project 30x 0.00593.
gnomAD v4.1: 1,314 of 1,601,796 alleles (0.082%); highest among the groups gnomAD compares: African/African-American, 1.5%; 9 homozygotes.

Submissions (16):

Myriad Genetics, Inc.
Classification: Benign for Colorectal cancer, susceptibility to, 12. Last evaluated: 2026-03-04. Review status: criteria provided, single submitter. Criteria: Myriad Autosomal Dominant, Autosomal Recessive and X-Linked Classification Criteria (2023). Collection method: clinical testing. Allele origin: unknown.
Comment: This variant is considered benign. This variant is intronic and is not expected to impact mRNA splicing. This variant has been observed at a population frequency that is significantly greater than expected given the associated disease prevalence and penetrance.

Labcorp Genetics (formerly Invitae), Labcorp
Classification: Benign. Last evaluated: 2026-02-04. Review status: criteria provided, single submitter. Criteria: Invitae Variant Classification Sherloc (09022015). Collection method: clinical testing. Allele origin: germline.

Center for Genomic Medicine, Rigshospitalet, Copenhagen University Hospital
Classification: Benign. Last evaluated: 2025-03-04. Review status: criteria provided, single submitter. Criteria: ACMG Guidelines, 2015. Collection method: clinical testing. Allele origin: germline.

Blueprint Genetics
Classification: Likely benign. Last evaluated: 2024-11-25. Review status: criteria provided, single submitter. Criteria: ACMG Guidelines, 2015. Collection method: clinical testing. Allele origin: germline.

KCCC/NGS Laboratory, Kuwait Cancer Control Center
Classification: Benign for Colorectal cancer, susceptibility to, 12. Last evaluated: 2023-07-07. Review status: criteria provided, single submitter. Criteria: ACMG Guidelines, 2015. Collection method: clinical testing. Allele origin: germline. Affected: yes.

Fulgent Genetics
Classification: Likely benign for Colorectal cancer, susceptibility to, 12; Facial dysmorphism-immunodeficiency-livedo-short stature syndrome; Intrauterine growth retardation, metaphyseal dysplasia, adrenal hypoplasia congenita, genital anomalies, and immunodeficiency. Last evaluated: 2022-05-17. Review status: criteria provided, single submitter. Criteria: ACMG Guidelines, 2015. Collection method: clinical testing. Allele origin: unknown.

Quest Diagnostics Nichols Institute San Juan Capistrano
Classification: Benign. Last evaluated: 2022-03-16. Review status: criteria provided, single submitter. Criteria: Quest Diagnostics criteria. Collection method: clinical testing. Allele origin: unknown.

Department of Pathology and Laboratory Medicine, Sinai Health System
Classification: Likely benign for POLE-related polyposis and colorectal cancer syndrome. Last evaluated: 2019-11-15. Review status: criteria provided, single submitter. Criteria: ACMG Guidelines, 2015. Collection method: clinical testing. Allele origin: germline. Affected: no.

GeneDx
Classification: Likely benign. Last evaluated: 2017-12-11. Review status: criteria provided, single submitter. Criteria: GeneDx Variant Classification (06012015). Collection method: clinical testing. Allele origin: germline. Affected: yes.
Comment: This variant is considered likely benign or benign based on one or more of the following criteria: it is a conservative change, it occurs at a poorly conserved position in the protein, it is predicted to be benign by multiple in silico algorithms, and/or has population frequency not consistent with disease.

PreventionGenetics, part of Exact Sciences
Classification: Benign. Last evaluated: 2017-07-28. Review status: criteria provided, single submitter. Criteria: ACMG Guidelines, 2015. Collection method: clinical testing. Allele origin: germline.

Women's Health and Genetics/Laboratory Corporation of America, LabCorp
Classification: Benign. Last evaluated: 2017-05-23. Review status: criteria provided, single submitter. Criteria: LabCorp Variant Classification Summary - May 2015. Collection method: clinical testing. Allele origin: germline.
Comment: Variant summary: The POLE c.1359+9G>A variant involves the alteration of a non-conserved intronic nucleotide. Mutation taster predicts a benign outcome for this variant. 5/5 splice prediction tools predict no significant impact on normal splicing. This variant was found in 174/120428 control chromosomes (2 homozygotes) from ExAC at a frequency of 0.0014448, which is approximately 102 times the estimated maximal expected allele frequency of a pathogenic POLE variant (0.0000142), strongly suggesting this variant is likely a benign polymorphism. It is primarily found in African subpopulation with an allele frequency of 0.015 (161/10296 chromosomes). In addition, multiple clinical diagnostic laboratories/reputable databases classified this variant as benign/likely benign. Taken together, this variant is classified as benign.

Genetic Services Laboratory, University of Chicago
Classification: Benign. Last evaluated: 2022-06-20. Review status: no assertion criteria provided. Collection method: clinical testing. Allele origin: germline. Affected: no. Not counted in ClinVar's aggregate classification.

Counsyl
Classification: Benign for Colorectal cancer, susceptibility to, 12. Last evaluated: 2016-09-06. Review status: no assertion criteria provided. Collection method: clinical testing. Allele origin: unknown. Not counted in ClinVar's aggregate classification.

Clinical Genetics DNA and cytogenetics Diagnostics Lab, Erasmus MC, Erasmus Medical Center
Classification: Benign. Review status: no assertion criteria provided. Collection method: clinical testing. Allele origin: germline. Affected: yes. Study: VKGL Data-share Consensus. Not counted in ClinVar's aggregate classification.

Clinical Genetics, Academic Medical Center
Classification: Likely benign. Review status: no assertion criteria provided. Collection method: clinical testing. Allele origin: germline. Affected: yes. Study: VKGL Data-share Consensus. Not counted in ClinVar's aggregate classification.

Genome Diagnostics Laboratory, Amsterdam University Medical Center
Classification: Benign. Review status: no assertion criteria provided. Collection method: clinical testing. Allele origin: germline. Affected: yes. Study: VKGL Data-share Consensus. Not counted in ClinVar's aggregate classification.

Literature cited by the submitters: PubMed 25224212 (cited by Quest Diagnostics Nichols Institute San Juan Capistrano).

NM_006231.4(POLE):c.1359+9G>A

Gene: POLE (DNA polymerase epsilon, catalytic subunit; minus strand). Cytogenetic location: 12q24.33.
Variant type: single nucleotide variant.
Coding change: c.1359+9G>A on transcript NM_006231.4 (MANE Select); 9 bases into the intron after coding-DNA position 1359, G replaced by A.
Molecular consequence: intron variant.
Genome position (GRCh38, 1-based): chr12:132,673,566, C>T on the plus strand (G>A on the coding strand, the complement: POLE is on the minus strand). VCF-style: chr12-132673566-C-T. GRCh37 (hg19) VCF-style: chr12-133250152-C-T.
Identifiers: ClinVar variation 221145 (VCV000221145.29), dbSNP rs75135381, ClinGen allele CA348860.